The following is an entry in ClinVar:

ClinVar aggregate classification (germline): Uncertain significance (1 of 4 stars; one submission).

Allele frequency attached by ClinVar (database versions not stated): gnomAD exomes below 0.00001; ExAC 0.00001; gnomAD 0.00001; ESP Exome Variant Server 0.00008.
gnomAD v4.1: 2 of 1,609,096 alleles (0.00012%); highest among the groups gnomAD compares: African/African-American, 0.0013%; no homozygotes.

Submission:

Labcorp Genetics (formerly Invitae), Labcorp
Classification: Uncertain significance. Last evaluated: 2022-04-06. Review status: criteria provided, single submitter. Criteria: Invitae Variant Classification Sherloc (09022015). Collection method: clinical testing. Allele origin: germline.
Comment: In summary, the available evidence is currently insufficient to determine the role of this variant in disease. Therefore, it has been classified as a Variant of Uncertain Significance. Algorithms developed to predict the effect of sequence changes on RNA splicing suggest that this variant is not likely to affect RNA splicing. This variant has not been reported in the literature in individuals affected with LONP1-related conditions. This variant is present in population databases (rs370407204, gnomAD 0.007%). This sequence change affects codon 354 of the LONP1 mRNA. It is a 'silent' change, meaning that it does not change the encoded amino acid sequence of the LONP1 protein. It affects a nucleotide within the consensus splice site.

NM_004793.4(LONP1):c.1062T>C (p.Asn354=)

Gene: LONP1 (lon peptidase 1, mitochondrial; minus strand). Cytogenetic location: 19p13.3.
Variant type: single nucleotide variant.
Coding change: c.1062T>C on transcript NM_004793.4 (MANE Select); coding-DNA position 1062, T replaced by C.
Protein change: p.Asn354=; no amino-acid change (asparagine 354 retained).
Molecular consequence: synonymous variant. On other transcripts: non-coding transcript variant (1).
Genome position (GRCh38, 1-based): chr19:5,707,697, A>G on the plus strand (T>C on the coding strand, the complement: LONP1 is on the minus strand). VCF-style: chr19-5707697-A-G. GRCh37 (hg19) VCF-style: chr19-5707708-A-G.
Other names: c.870T>C, p.Asn290= (NM_001276479.2); c.474T>C, p.Asn158= (NM_001276480.1).
Identifiers: ClinVar variation 2192533 (VCV002192533.4), dbSNP rs370407204, ClinGen allele CA9114864.